The following is an entry in ClinVar:

NM_144672.4(OTOA):c.1322T>C (p.Val441Ala)

Gene: OTOA (otoancorin). Cytogenetic location: 16p12.2.
Variant type: single nucleotide variant.
Coding change: c.1322T>C on transcript NM_144672.4 (MANE Select); coding-DNA position 1322, T replaced by C.
Protein change: p.Val441Ala; replaces valine 441 with alanine.
Molecular consequence: missense variant.
Genome position (GRCh38, 1-based): chr16:21,714,986, T>C. VCF-style: chr16-21714986-T-C. GRCh37 (hg19) VCF-style: chr16-21726307-T-C.
Other names: c.1085T>C, p.Val362Ala (NM_001161683.2); c.350T>C, p.Val117Ala (NM_170664.3); short protein forms V441A, V362A, V117A.
Identifiers: ClinVar variation 517483 (VCV000517483.5), dbSNP rs1555499893, ClinGen allele CA395063010.

ClinVar aggregate classification (germline): Uncertain significance (1 of 4 stars; one submission).

Allele frequency attached by ClinVar (database versions not stated): gnomAD exomes below 0.00001.
gnomAD v4.1: 1 of 1,614,160 alleles (0.000062%); highest among the groups gnomAD compares: Non-Finnish European, 0.000085%; no homozygotes.

Submission:

Laboratory for Molecular Medicine, Mass General Brigham Personalized Medicine
Classification: Uncertain significance. Last evaluated: 2017-07-13. Review status: criteria provided, single submitter. Criteria: LMM Criteria. Collection method: clinical testing. Allele origin: germline. Observed: 1 variant allele.
Comment: Variant classified as Uncertain Significance - Favor Benign. The p.Val441Ala var iant in OTOA has not been previously reported in individuals with hearing loss, or in large population studies. Valine (Val) at position 441 is not conserved in mammals or evolutionarily distant species. Of note, 2 mammals (chinchilla and s tar-nosed mole) carry an alanine (Ala) at this position, raising the possibility that this change may be tolerated. Additional computational prediction tools su pport that the variant may not impact the protein, though this information is no t predictive enough to rule out pathogenicity. In summary, while the clinical si gnificance of the p.Val441Ala variant is uncertain, these data suggest that it i s more likely to be benign.